The following is an entry in ClinVar:

ClinVar aggregate classification (germline): Uncertain significance. Review status: criteria provided, multiple submitters, no conflicts (2 of 4 stars). 3 submissions from 3 submitters: Uncertain significance (3). Last evaluated 2026-07-10.

Conditions:
Cardiovascular phenotype. Identifiers: MedGen CN230736.
Dilated cardiomyopathy 1KK (CMD1KK). Identifiers: Orphanet 154, Orphanet 75249, MedGen C3714995, MONDO:0014100, OMIM 615248.

Allele frequency attached by ClinVar (database versions not stated): 1000 Genomes Project 30x 0.00016; ExAC 0.00001; gnomAD 0.00001; gnomAD exomes 0.00001; 1000 Genomes Project 0.00020.
gnomAD v4.1: 7 of 1,614,096 alleles (0.00043%); highest among the groups gnomAD compares: African/African-American, 0.004%; no homozygotes.

Submissions (3):

Ambry Genetics
Classification: Uncertain significance for Cardiovascular phenotype. Last evaluated: 2026-07-10. Review status: criteria provided, single submitter. Criteria: Ambry Variant Classification Scheme 2023. Collection method: clinical testing. Allele origin: germline.
Comment: The p.P723L variant (also known as c.2168C>T), located in coding exon 10 of the MYPN gene, results from a C to T substitution at nucleotide position 2168. The proline at codon 723 is replaced by leucine, an amino acid with similar properties. This amino acid position is conserved. In addition, the in silico prediction for this alteration is inconclusive. Based on the available evidence, the clinical significance of this variant remains unclear.

Labcorp Genetics (formerly Invitae), Labcorp
Classification: Uncertain significance for Dilated cardiomyopathy 1KK. Last evaluated: 2022-07-26. Review status: criteria provided, single submitter. Criteria: Invitae Variant Classification Sherloc (09022015). Collection method: clinical testing. Allele origin: germline.
Comment: In summary, the available evidence is currently insufficient to determine the role of this variant in disease. Therefore, it has been classified as a Variant of Uncertain Significance. Algorithms developed to predict the effect of missense changes on protein structure and function (SIFT, PolyPhen-2, Align-GVGD) all suggest that this variant is likely to be tolerated. ClinVar contains an entry for this variant (Variation ID: 201886). This variant has not been reported in the literature in individuals affected with MYPN-related conditions. The frequency data for this variant in the population databases is considered unreliable, as metrics indicate poor data quality at this position in the gnomAD database. This sequence change replaces proline, which is neutral and non-polar, with leucine, which is neutral and non-polar, at codon 723 of the MYPN protein (p.Pro723Leu).

GeneDx
Classification: Uncertain significance. Last evaluated: 2014-06-03. Review status: criteria provided, single submitter. Criteria: GeneDx Variant Classification (06012015). Collection method: clinical testing. Allele origin: germline. Affected: yes.
Comment: This variant is denoted p.Pro723Leu (CCG>CTG): c.2168 C>T in exon 11 of the MYPN gene (NM_032578.3). The P723L variant has not been published as a mutation, nor has it been reported as a benign polymorphism to our knowledge. The P723L variant was not observed in approximately 6,500 individuals of European and African American ancestry in the NHLBI Exome Sequencing Project, indicating it is not a common benign variant in these populations. The P723L variant is a conservative amino acid substitution, which is not likely to impact secondary protein structure as these residues share similar properties. This substitution occurs at a position that is mostly conserved across species. In silico analysis predicts this variant is probably damaging to the protein structure/function. However, no missense mutations in nearby residues have been reported in association with cardiomyopathy, suggesting this region of the protein may be tolerant of change. Therefore, based on the currently available information, it is unclear whether this variant is a pathogenic mutation or a rare benign variant.The variant is found in CARDIOMYOPATHY panel(s).

NM_032578.4(MYPN):c.2168C>T (p.Pro723Leu)

Gene: MYPN (myopalladin; plus strand). Cytogenetic location: 10q21.3.
Variant type: single nucleotide variant.
Coding change: c.2168C>T on transcript NM_032578.4 (MANE Select); coding-DNA position 2168, C replaced by T.
Protein change: p.Pro723Leu; replaces proline 723 with leucine.
Molecular consequence: missense variant. On other transcripts: non-coding transcript variant (2).
Genome position (GRCh38, 1-based): chr10:68,174,260, C>T. VCF-style: chr10-68174260-C-T. GRCh37 (hg19) VCF-style: chr10-69934017-C-T.
Other names: p.P723L:CCG>CTG; c.2168C>T, p.Pro723Leu (NM_001256267.2); c.1286C>T, p.Pro429Leu (NM_001256268.2); c.2168C>T (NM_032578.2); short protein forms P723L, P429L.
Identifiers: ClinVar variation 201886 (VCV000201886.14), dbSNP rs550827308, ClinGen allele CA335307.
Genomic context (GRCh38, chr10:68,174,260, plus strand): 5'-TGACAACATCCAGTAAGCAGGTGAAGGCTCCTTCATCACAGACGTTCAGCTTGGCCCGGC[C>T]GAAGTATTTCTTCCCCTCCACGAACACCACCGCAGCAACTGTGGCCCCTTCCAGCTCTCC-3'
Protein context (NP_115967.2, residues 713-733): PSSQTFSLAR[Pro723Leu]KYFFPSTNTT